The following is an entry in ClinVar:

NM_000038.6(APC):c.6663G>A (p.Met2221Ile)

Gene: APC (APC regulator of Wnt signaling pathway; plus strand). Cytogenetic location: 5q22.2.
Variant type: single nucleotide variant.
Coding change: c.6663G>A on transcript NM_000038.6 (MANE Select); coding-DNA position 6663, G replaced by A.
Protein change: p.Met2221Ile; replaces methionine 2221 with isoleucine.
Molecular consequence: missense variant.
Genome position (GRCh38, 1-based): chr5:112,842,257, G>A. VCF-style: chr5-112842257-G-A. GRCh37 (hg19) VCF-style: chr5-112177954-G-A.
Other names: c.6663G>A (NM_000038.5); c.6663G>A, p.Met2221Ile (NM_001127510.3, NM_001354895.2); c.6609G>A, p.Met2203Ile (NM_001127511.3); c.6717G>A, p.Met2239Ile (NM_001354896.2); c.6693G>A, p.Met2231Ile (NM_001354897.2); c.6588G>A, p.Met2196Ile (NM_001354898.2); c.6579G>A, p.Met2193Ile (NM_001354899.2); c.6540G>A, p.Met2180Ile (NM_001354900.2); and 6 more; short protein forms M2120I, M2162I, M2231I, M2095I, M2196I, M2061I, M2180I, M2193I.
Identifiers: ClinVar variation 1403261 (VCV001403261.11), dbSNP rs1766270302, ClinGen allele CA16035905.
Genomic context (GRCh38, chr5:112,842,257, plus strand): 5'-AAAAGTTCGATCTAATTCAGAAATTTCAGGCCAAATGAAACAGCCCCTTCAAGCAAACAT[G>A]CCTTCAATCTCTCGAGGCAGGACAATGATTCATATTCCAGGAGTTCGAAATAGCTCCTCA-3'
Protein context (NP_000029.2, residues 2211-2231): GQMKQPLQAN[Met2221Ile]PSISRGRTMI

ClinVar aggregate classification (germline): Uncertain significance. Review status: criteria provided, multiple submitters, no conflicts (2 of 4 stars). 5 submissions from 5 submitters: Uncertain significance (5). Last evaluated 2025-12-09.

Conditions:
Hereditary cancer-predisposing syndrome. Also called: Hereditary neoplastic syndrome; Hereditary Cancer Syndrome; Neoplastic Syndromes, Hereditary; Tumor predisposition. Identifiers: Orphanet 140162, MedGen C0027672, MeSH D009386, MONDO:0015356.
Familial adenomatous polyposis 1 (FAP1). Also called: POLYPOSIS, ADENOMATOUS INTESTINAL; FAMILIAL ADENOMATOUS POLYPOSIS 1, ATTENUATED. Identifiers: MedGen C2713442, MONDO:0021056, OMIM 175100. Disease mechanism: loss of function.

Allele frequency attached by ClinVar (database versions not stated): gnomAD exomes below 0.00001.
gnomAD v4.1: 1 of 1,613,998 alleles (0.000062%); highest among the groups gnomAD compares: Non-Finnish European, 0.000085%; no homozygotes.

Submissions (5):

Ambry Genetics
Classification: Uncertain significance for Hereditary cancer-predisposing syndrome. Last evaluated: 2025-12-09. Review status: criteria provided, single submitter. Criteria: Ambry Variant Classification Scheme 2023. Collection method: clinical testing. Allele origin: germline.
Comment: The p.M2221I variant (also known as c.6663G>A), located in coding exon 15 of the APC gene, results from a G to A substitution at nucleotide position 6663. The methionine at codon 2221 is replaced by isoleucine, an amino acid with highly similar properties. This amino acid position is conserved. In addition, in silico predictors for this gene do not accurately predict pathogenicity. Missense variants in APC are not a common cause of disease (Spier I et al. Genet Med. 2024 Feb;26(2):100992). Based on the available evidence, the clinical significance of this variant remains unclear.

Color Diagnostics, LLC DBA Color Health
Classification: Uncertain significance for Hereditary cancer-predisposing syndrome. Last evaluated: 2024-05-06. Review status: criteria provided, single submitter. Criteria: ACMG Guidelines, 2015. Collection method: clinical testing. Allele origin: germline.
Comment: This missense variant replaces methionine with isoleucine at codon 2221 of the APC protein. Computational prediction suggests that this variant may not impact protein structure and function (internally defined REVEL score threshold <= 0.5, PMID: 27666373). To our knowledge, functional studies have not been reported for this variant. This variant has not been reported in individuals affected with APC-related disorders in the literature. This variant has not been identified in the general population by the Genome Aggregation Database (gnomAD). The available evidence is insufficient to determine the role of this variant in disease conclusively. Therefore, this variant is classified as a Variant of Uncertain Significance.

Labcorp Genetics (formerly Invitae), Labcorp
Classification: Uncertain significance for Familial adenomatous polyposis 1. Last evaluated: 2024-03-08. Review status: criteria provided, single submitter. Criteria: Invitae Variant Classification Sherloc (09022015). Collection method: clinical testing. Allele origin: germline.
Comment: This sequence change replaces methionine, which is neutral and non-polar, with isoleucine, which is neutral and non-polar, at codon 2221 of the APC protein (p.Met2221Ile). This variant is not present in population databases (gnomAD no frequency). This variant has not been reported in the literature in individuals affected with APC-related conditions. ClinVar contains an entry for this variant (Variation ID: 1403261). Advanced modeling of protein sequence and biophysical properties (such as structural, functional, and spatial information, amino acid conservation, physicochemical variation, residue mobility, and thermodynamic stability) performed at Invitae indicates that this missense variant is not expected to disrupt APC protein function with a negative predictive value of 95%. In summary, the available evidence is currently insufficient to determine the role of this variant in disease. Therefore, it has been classified as a Variant of Uncertain Significance.

GeneDx
Classification: Uncertain significance. Last evaluated: 2024-02-06. Review status: criteria provided, single submitter. Criteria: GeneDx Variant Classification Process June 2021. Collection method: clinical testing. Allele origin: germline. Affected: yes.
Comment: Not observed at significant frequency in large population cohorts (gnomAD); In silico analysis supports that this missense variant does not alter protein structure/function; Has not been previously published as pathogenic or benign to our knowledge; This variant is associated with the following publications: (PMID: 18199528)

Baylor Genetics
Classification: Uncertain significance for Familial adenomatous polyposis 1. Last evaluated: 2023-10-21. Review status: criteria provided, single submitter. Criteria: ACMG Guidelines, 2015. Collection method: clinical testing. Allele origin: unknown.